The following is an entry in ClinVar:

ClinVar aggregate classification (germline): Likely benign. Review status: criteria provided, single submitter (1 of 4 stars). 2 submissions from 2 submitters: Likely benign (1). 1 of the submissions does not count toward it. Last evaluated 2024-10-04.

Conditions:
TLL1-related disorder. Also called: TLL1-related condition.

Allele frequency attached by ClinVar (database versions not stated): ExAC 0.00011; gnomAD exomes 0.00011; TOPMed 0.00015; gnomAD 0.00024; 1000 Genomes Project 30x 0.00312; 1000 Genomes Project 0.00339.
gnomAD v4.1: 88 of 595,192 alleles (0.015%); highest among the groups gnomAD compares: East Asian, 0.23%; no homozygotes.

Submissions (2):

Blueprint Genetics
Classification: Likely benign. Last evaluated: 2024-10-04. Review status: criteria provided, single submitter. Criteria: ACMG Guidelines, 2015. Collection method: clinical testing. Allele origin: germline.

PreventionGenetics, part of Exact Sciences
Classification: Likely benign for TLL1-related condition. Last evaluated: 2023-01-03. Review status: no assertion criteria provided. Collection method: clinical testing. Allele origin: germline. Not counted in ClinVar's aggregate classification.
Comment: This variant is classified as likely benign based on ACMG/AMP sequence variant interpretation guidelines (Richards et al. 2015 PMID: 25741868, with internal and published modifications).

NM_012464.5(TLL1):c.1158+5023T>C

Gene: TLL1 (tolloid like 1; plus strand). Cytogenetic location: 4q32.3.
Variant type: single nucleotide variant.
Coding change: c.1158+5023T>C on transcript NM_012464.5 (MANE Select); 5023 bases into the intron after coding-DNA position 1158, T replaced by C.
Molecular consequence: intron variant. On other transcripts: missense variant (1).
Genome position (GRCh38, 1-based): chr4:166,030,454, T>C. VCF-style: chr4-166030454-T-C. GRCh37 (hg19) VCF-style: chr4-166951606-T-C.
Other names: c.1160T>C, p.Val387Ala (NM_001204760.2); short protein forms V387A.
Identifiers: ClinVar variation 3058119 (VCV003058119.3), dbSNP rs186415471, ClinGen allele CA3130814.